The following is an entry in ClinVar:

ClinVar aggregate classification (germline): Likely pathogenic (1 of 4 stars; one submission).

Conditions:
Kabuki syndrome 1 (KABUK1). Also called: KMT2D-Related Kabuki Syndrome. Identifiers: Orphanet 2322, MedGen CN030661, MONDO:0007843, OMIM 147920.

Submission:

3billion
Classification: Likely pathogenic for Kabuki syndrome 1. Last evaluated: 2025-06-26. Review status: criteria provided, single submitter. Criteria: ACMG Guidelines, 2015. Collection method: clinical testing. Allele origin: germline. Affected: yes.
Comment: The variant is not observed in the gnomAD v4.1.0 dataset. Predicted Consequence/Location: Stop-gained (nonsense): predicted to result in a loss or disruption of normal protein function through nonsense-mediated decay (NMD) or protein truncation. Multiple pathogenic variants are reported downstream of the variant. Therefore, this variant is classified as Likely pathogenic according to the recommendation of ACMG/AMP guideline.

NM_003482.4(KMT2D):c.2672T>G (p.Leu891Ter)

Gene: KMT2D (lysine methyltransferase 2D; minus strand). Cytogenetic location: 12q13.12.
Variant type: single nucleotide variant.
Coding change: c.2672T>G on transcript NM_003482.4 (MANE Select); coding-DNA position 2672, T replaced by G.
Protein change: p.Leu891Ter; replaces leucine 891 with a stop codon.
Molecular consequence: nonsense.
Genome position (GRCh38, 1-based): chr12:49,051,011, A>C on the plus strand (T>G on the coding strand, the complement: KMT2D is on the minus strand). VCF-style: chr12-49051011-A-C. GRCh37 (hg19) VCF-style: chr12-49444794-A-C.
Other names: short protein forms L891*.
Identifiers: ClinVar variation 4855222 (VCV004855222.1).